The following is an entry in ClinVar:

ClinVar aggregate classification (germline): Likely benign. Review status: criteria provided, multiple submitters, no conflicts (2 of 4 stars). 3 submissions from 3 submitters: Likely benign (3). Last evaluated 2025-04-07.

Conditions:
Cardiovascular phenotype. Identifiers: MedGen CN230736.
BGN-related disorder. Also called: BGN-related condition.

Allele frequency attached by ClinVar (database versions not stated): TOPMed below 0.00001; gnomAD 0.00001; gnomAD exomes 0.00001; ExAC 0.00007; ESP Exome Variant Server 0.00009.
gnomAD v4.1: 11 of 1,209,988 alleles (0.00091%); highest among the groups gnomAD compares: Admixed American, 0.0044%; no homozygotes.

Submissions (3):

PreventionGenetics, part of Exact Sciences
Classification: Likely benign for BGN-related condition. Last evaluated: 2025-04-07. Review status: criteria provided, single submitter. Criteria: ACMG Guidelines, 2015. Collection method: clinical testing. Allele origin: germline.
Comment: This variant is classified as likely benign based on ACMG/AMP sequence variant interpretation guidelines (Richards et al. 2015 PMID: 25741868, with internal and published modifications).

Labcorp Genetics (formerly Invitae), Labcorp
Classification: Likely benign. Last evaluated: 2025-02-12. Review status: criteria provided, single submitter. Criteria: Invitae Variant Classification Sherloc (09022015). Collection method: clinical testing. Allele origin: germline.

Ambry Genetics
Classification: Likely benign for Cardiovascular phenotype. Last evaluated: 2021-12-23. Review status: criteria provided, single submitter. Criteria: Ambry Variant Classification Scheme 2023. Collection method: clinical testing. Allele origin: germline.

NM_001711.6(BGN):c.156G>A (p.Pro52=)

Gene: BGN (biglycan; plus strand). Cytogenetic location: Xq28.
Variant type: single nucleotide variant.
Coding change: c.156G>A on transcript NM_001711.6 (MANE Select); coding-DNA position 156, G replaced by A.
Protein change: p.Pro52=; no amino-acid change (proline 52 retained).
Molecular consequence: synonymous variant.
Genome position (GRCh38, 1-based): chrX:153,504,787, G>A. VCF-style: chrX-153504787-G-A. GRCh37 (hg19) VCF-style: chrX-152770245-G-A.
Other names: c.156G>A (NM_001711.5).
Identifiers: ClinVar variation 1775484 (VCV001775484.4), dbSNP rs374777271, ClinGen allele CA10547136.
Genomic context (GRCh38, chrX:153,504,787, plus strand): 5'-GCCATTCATGATGAACGATGAGGAAGCTTCGGGCGCTGACACCTCGGGCGTCCTGGACCC[G>A]GACTCTGTCACACCCACCTACAGCGCCATGTGTCCTTTCGGCTGCCACTGCCACCTGCGG-3'
Protein context (NP_001702.1, residues 42-62): SGADTSGVLD[Pro52=]DSVTPTYSAM